The following is an entry in ClinVar:

ClinVar aggregate classification (germline): Likely benign. Review status: criteria provided, single submitter (1 of 4 stars). 2 submissions from 2 submitters: Likely benign (1). 1 of the submissions does not count toward it. Last evaluated 2017-04-03.

Conditions:
VHL-related disorder. Also called: VHL-related condition.

Allele frequency attached by ClinVar (database versions not stated): gnomAD 0.00001.
gnomAD v4.1: 6 of 1,536,554 alleles (0.00039%); highest among the groups gnomAD compares: African/African-American, 0.0069%; no homozygotes.

Submissions (2):

GeneDx
Classification: Likely benign. Last evaluated: 2017-04-03. Review status: criteria provided, single submitter. Criteria: GeneDx Variant Classification (06012015). Collection method: clinical testing. Allele origin: germline. Affected: yes.
Comment: This variant is considered likely benign or benign based on one or more of the following criteria: it is a conservative change, it occurs at a poorly conserved position in the protein, it is predicted to be benign by multiple in silico algorithms, and/or has population frequency not consistent with disease.

PreventionGenetics, part of Exact Sciences
Classification: Likely benign for VHL-related condition. Last evaluated: 2024-08-07. Review status: no assertion criteria provided. Collection method: clinical testing. Allele origin: germline. Not counted in ClinVar's aggregate classification.
Comment: This variant is classified as likely benign based on ACMG/AMP sequence variant interpretation guidelines (Richards et al. 2015 PMID: 25741868, with internal and published modifications).

NM_000551.4(VHL):c.-25C>A

Gene: VHL (von Hippel-Lindau tumor suppressor; plus strand). Cytogenetic location: 3p25.3.
Variant type: single nucleotide variant.
Coding change: c.-25C>A on transcript NM_000551.4 (MANE Select); 25 bases upstream of the start codon, C replaced by A.
Molecular consequence: 5 prime UTR variant.
Genome position (GRCh38, 1-based): chr3:10,141,823, C>A. VCF-style: chr3-10141823-C-A. GRCh37 (hg19) VCF-style: chr3-10183507-C-A.
Other names: c.-25C>A (NM_001354723.2, NM_198156.3).
Identifiers: ClinVar variation 508543 (VCV000508543.3), dbSNP rs1340337531, ClinGen allele CA541213497.